The following is an entry in ClinVar:

NM_001008537.3(NEXMIF):c.2692C>T (p.Gln898Ter)

Gene: NEXMIF (neurite extension and migration factor; minus strand). Cytogenetic location: Xq13.3.
Variant type: single nucleotide variant.
Coding change: c.2692C>T on transcript NM_001008537.3 (MANE Select); coding-DNA position 2692, C replaced by T.
Protein change: p.Gln898Ter; replaces glutamine 898 with a stop codon.
Molecular consequence: nonsense.
Genome position (GRCh38, 1-based): chrX:74,741,865, G>A on the plus strand (C>T on the coding strand, the complement: NEXMIF is on the minus strand). VCF-style: chrX-74741865-G-A. GRCh37 (hg19) VCF-style: chrX-73961700-G-A.
Other names: c.2692C>T (NM_001008537.2); short protein forms Q898*.
Identifiers: ClinVar variation 3387768 (VCV003387768.3).
Genomic context (GRCh38, chrX:74,741,865, plus strand): 5'-CTCCAAATTCACTGGATTGGGTTGGGGCTATCTCCCTTGAGACTTCAGCCATGAATTCCT[G>A]GGTGCCAGAAGTAGCCTTGTTGGGCCACACATTTCTATAGTTGCTTGATTCCATTTTGAA-3'

ClinVar aggregate classification (germline): Pathogenic. Review status: criteria provided, multiple submitters, no conflicts (2 of 4 stars). 2 submissions from 2 submitters: Pathogenic (2). Last evaluated 2024-12-13.

Conditions:
X-linked intellectual disability, Cantagrel type (XLID98). Also called: INTELLECTUAL DEVELOPMENTAL DISORDER, X-LINKED 98. Identifiers: Orphanet 85277, MedGen C3806730, MONDO:0010483, OMIM 300912.

Submissions (2):

Molecular Genetics Laboratory, Motol Hospital
Classification: Pathogenic for X-linked intellectual disability, Cantagrel type. Last evaluated: 2024-12-13. Review status: criteria provided, single submitter. Criteria: ACMG Guidelines, 2015. Collection method: clinical testing. Allele origin: de novo. Affected: yes. Observed: 1 variant allele.
Comment: The variant was found to be of a de novo origin. Rare de novo truncating variants affecting the NEXMIF gene are documented as a molecular cause of X-linked "intellectual developmental disorder-98" (XLID98; OMIM:300912; PMID:27568816;23615299;25900396;26576034). To conclude, the variant is classified as pathogenic (ACMG PVS1, PM2, PS2).

Clinical Genetics Service, Universitary Hospital 12 de Octubre
Classification: Pathogenic for X-linked intellectual disability, Cantagrel type. Review status: criteria provided, single submitter. Criteria: ACMG Guidelines, 2015. Collection method: clinical testing. Allele origin: germline. Affected: yes.

Literature cited by the submitters: PubMed 27568816 (cited by Molecular Genetics Laboratory, Motol Hospital); PubMed 23615299 (cited by Molecular Genetics Laboratory, Motol Hospital); PubMed 25900396 (cited by Molecular Genetics Laboratory, Motol Hospital); PubMed 26576034 (cited by Molecular Genetics Laboratory, Motol Hospital).